The following is an entry in ClinVar:

ClinVar aggregate classification (germline): Pathogenic/Likely pathogenic. Review status: criteria provided, multiple submitters, no conflicts (2 of 4 stars). 2 submissions from 2 submitters: Pathogenic (1); Likely pathogenic (1). Last evaluated 2025-06-04.

Conditions:
ANKRD11-related disorder. Also called: ANKRD11-related condition.

Submissions (2):

GeneDx
Classification: Pathogenic. Last evaluated: 2025-06-04. Review status: criteria provided, single submitter. Criteria: GeneDx Variant Classification Process June 2021. Collection method: clinical testing. Allele origin: germline. Affected: yes.
Comment: Nonsense variant predicted to result in protein truncation or nonsense mediated decay in a gene for which loss of function is a known mechanism of disease; Not observed at significant frequency in large population cohorts (gnomAD); Has not been previously published as pathogenic or benign to our knowledge

Blueprint Genetics
Classification: Likely pathogenic for ANKRD11-related disorders. Last evaluated: 2019-11-20. Review status: criteria provided, single submitter. Criteria: ACMG Guidelines, 2015. Collection method: clinical testing. Allele origin: germline. Affected: yes. Observed: 1 variant allele.

NM_013275.6(ANKRD11):c.4218C>G (p.Tyr1406Ter)

Gene: ANKRD11 (ankyrin repeat domain 11; minus strand). Cytogenetic location: 16q24.3.
Variant type: single nucleotide variant.
Coding change: c.4218C>G on transcript NM_013275.6 (MANE Select); coding-DNA position 4218, C replaced by G.
Protein change: p.Tyr1406Ter; replaces tyrosine 1406 with a stop codon.
Molecular consequence: nonsense.
Genome position (GRCh38, 1-based): chr16:89,282,324, G>C on the plus strand (C>G on the coding strand, the complement: ANKRD11 is on the minus strand). VCF-style: chr16-89282324-G-C. GRCh37 (hg19) VCF-style: chr16-89348732-G-C.
Other names: c.4218C>G, p.Tyr1406Ter (NM_001256182.2, NM_001256183.2); short protein forms Y1406*.
Identifiers: ClinVar variation 4536265 (VCV004536265.2).
Genomic context (GRCh38, chr16:89,282,324, plus strand): 5'-TTCGGTAGAAAACAATTCAATGGTTTTATCTAGCTCATCTTCTATGTCAGCTTTCATGTT[G>C]TAAGAAACTCCGTAAGCATCCGCCTCCAGGAAGTCCTTTTCGTACTGGCCGGAGTCCTTC-3'